The following is an entry in ClinVar:

ClinVar aggregate classification (germline): Uncertain significance (1 of 4 stars; one submission).

Conditions:
Brugada syndrome 8 (BRGDA8). Identifiers: Orphanet 130, MedGen C2751083, MONDO:0013148, OMIM 613123.

Allele frequency attached by ClinVar (database versions not stated): TOPMed 0.00001.

Submission:

Labcorp Genetics (formerly Invitae), Labcorp
Classification: Uncertain significance for Brugada syndrome 8. Last evaluated: 2025-09-21. Review status: criteria provided, single submitter. Criteria: Invitae Variant Classification Sherloc (09022015). Collection method: clinical testing. Allele origin: germline.
Comment: This sequence change replaces proline, which is neutral and non-polar, with serine, which is neutral and polar, at codon 5 of the HCN4 protein (p.Pro5Ser). The frequency data for this variant in the population databases is considered unreliable, as metrics indicate poor data quality at this position in the gnomAD database. This variant has not been reported in the literature in individuals affected with HCN4-related conditions. ClinVar contains an entry for this variant (Variation ID: 2196195). Invitae Evidence Modeling of protein sequence and biophysical properties (such as structural, functional, and spatial information, amino acid conservation, physicochemical variation, residue mobility, and thermodynamic stability) has been performed for this missense variant. However, the output from this modeling did not meet the statistical confidence thresholds required to predict the impact of this variant on HCN4 protein function. In summary, the available evidence is currently insufficient to determine the role of this variant in disease. Therefore, it has been classified as a Variant of Uncertain Significance.

NM_005477.3(HCN4):c.13C>T (p.Pro5Ser)

Gene: HCN4 (hyperpolarization activated cyclic nucleotide gated potassium channel 4; minus strand). Cytogenetic location: 15q24.1.
Variant type: single nucleotide variant.
Coding change: c.13C>T on transcript NM_005477.3 (MANE Select); coding-DNA position 13, C replaced by T.
Protein change: p.Pro5Ser; replaces proline 5 with serine.
Molecular consequence: missense variant.
Genome position (GRCh38, 1-based): chr15:73,368,258, G>A on the plus strand (C>T on the coding strand, the complement: HCN4 is on the minus strand). VCF-style: chr15-73368258-G-A. GRCh37 (hg19) VCF-style: chr15-73660599-G-A.
Other names: short protein forms P5S.
Identifiers: ClinVar variation 2196195 (VCV002196195.4), dbSNP rs1204027135, ClinGen allele CA393099272.
Genomic context (GRCh38, chr15:73,368,258, plus strand): 5'-TCCACGCCTTGGCCCCCACCTGCTGCGGGAGGCTGTAGAGCCGCTTGCGCATGGACGGCG[G>A]CAGCTTGTCCATGGCGCCAGGGGCCGGGGTCGGACCGGGCCGGGGGCAGGAGCGCGGCGC-3'
Protein context (NP_005468.1, residues 1-15): MDKL[Pro5Ser]PSMRKRLYSL